The following is an entry in ClinVar:

ClinVar aggregate classification (germline): Uncertain significance (1 of 4 stars; one submission).

Allele frequency attached by ClinVar (database versions not stated): gnomAD exomes below 0.00001.
gnomAD v4.1: 2 of 1,613,358 alleles (0.00012%); highest among the groups gnomAD compares: Non-Finnish European, 0.00017%; no homozygotes.

Submission:

Laboratory for Molecular Medicine, Mass General Brigham Personalized Medicine
Classification: Uncertain significance. Last evaluated: 2014-05-14. Review status: criteria provided, single submitter. Criteria: LMM Criteria. Collection method: clinical testing. Allele origin: germline. Observed: 2 variant alleles.
Comment: Variant classified as Uncertain Significance - Favor Pathogenic. The Cys1433Tyr variant in STRC has not been previously reported in individuals with hearing los s, but has been identified in 1/1316 chromosomes from a broad population by the ClinSeq Project (dbSNP rs202189597), though this frequency is not high enough to rule out a pathogenic role. Computational prediction tools and conservation ana lyses suggest that the Cys1433Tyr variant may impact the protein; however, this information is not predictive enough to determine pathogenicity. The presence of this variant in combination with a reported pathogenic STRC variant in an indiv idual with hearing loss, increases the likelihood that the Cys1433Tyr variant is pathogenic, though additional studies are needed to confirm this. In summary, while the available data suggest a pathogenic role for the Cys1433Tyr variant, w ithout additional data, the clinical significance of this variant is uncertain.

NM_153700.2(STRC):c.4298G>A (p.Cys1433Tyr)

Gene: STRC (stereocilin; minus strand). Cytogenetic location: 15q15.3.
Variant type: single nucleotide variant.
Coding change: c.4298G>A on transcript NM_153700.2 (MANE Select); coding-DNA position 4298, G replaced by A.
Protein change: p.Cys1433Tyr; replaces cysteine 1433 with tyrosine.
Molecular consequence: missense variant.
Genome position (GRCh38, 1-based): chr15:43,604,073, C>T on the plus strand (G>A on the coding strand, the complement: STRC is on the minus strand). VCF-style: chr15-43604073-C-T. GRCh37 (hg19) VCF-style: chr15-43896271-C-T.
Other names: short protein forms C1433Y.
Identifiers: ClinVar variation 165309 (VCV000165309.5), dbSNP rs202189597, ClinGen allele CA178049.